The following is an entry in ClinVar:

ClinVar aggregate classification (germline): Pathogenic (1 of 4 stars; one submission).

Allele frequency attached by ClinVar (database versions not stated): gnomAD exomes below 0.00001.

Submission:

Labcorp Genetics (formerly Invitae), Labcorp
Classification: Pathogenic. Last evaluated: 2021-10-23. Review status: criteria provided, single submitter. Criteria: Invitae Variant Classification Sherloc (09022015). Collection method: clinical testing. Allele origin: germline.
Comment: This variant has not been reported in the literature in individuals affected with TTLL5-related conditions. For these reasons, this variant has been classified as Pathogenic. This variant is present in population databases (no rsID available, gnomAD 0.003%). This sequence change creates a premature translational stop signal (p.Glu416Aspfs*24) in the TTLL5 gene. It is expected to result in an absent or disrupted protein product. Loss-of-function variants in TTLL5 are known to be pathogenic (PMID: 24791901, 27162334).

Literature cited by the submitters: PubMed 24791901; PubMed 27162334.

NM_015072.5(TTLL5):c.1248del (p.Glu416fs)

Gene: TTLL5 (tubulin tyrosine ligase like 5; plus strand). Cytogenetic location: 14q24.3.
Variant type: Deletion.
Coding change: c.1248del on transcript NM_015072.5 (MANE Select); coding-DNA position 1248, one base deleted (G; older notation c.1248delG).
Protein change: p.Glu416fs; shifts the reading frame from glutamic acid 416.
Molecular consequence: frameshift variant.
Genome position (GRCh38, 1-based): chr14:75,735,256, G deleted. VCF-style (leftmost placement, unchanged base first): chr14-75735255-AG-A. GRCh37 (hg19) VCF-style: chr14-76201598-AG-A.
Other names: short protein forms E416fs.
Identifiers: ClinVar variation 1453329 (VCV001453329.6), dbSNP rs1408235770, ClinGen allele CA615070788.